The following is an entry in ClinVar:

ClinVar aggregate classification (germline): Uncertain significance. Review status: criteria provided, multiple submitters, no conflicts (2 of 4 stars). 4 submissions from 4 submitters: Uncertain significance (4). Last evaluated 2023-01-06.

Conditions:
Congenital myasthenic syndrome 11. Also called: MYASTHENIC SYNDROME, CONGENITAL, Ie; Myasthenic syndrome, congenital, 11, associated with acetylcholine receptor deficiency. Identifiers: Orphanet 590, MedGen C4225367, MONDO:0014588, OMIM 616326.
Fetal akinesia deformation sequence 1 (FADS1). Also called: Pena-Shokeir syndrome type I; Fetal akinesia sequence. Identifiers: Orphanet 994, MedGen C1276035, MONDO:0100101, OMIM 208150, HP:0001989.
Fetal akinesia deformation sequence 2. Identifiers: MedGen C4760576, MONDO:0100102, OMIM 618388.
Inborn genetic diseases. Identifiers: MedGen C0950123, MeSH D030342.

Allele frequency attached by ClinVar (database versions not stated): gnomAD exomes 0.00001; gnomAD 0.00002; TOPMed 0.00002.
gnomAD v4.1: 18 of 1,610,958 alleles (0.0011%); highest among the groups gnomAD compares: Non-Finnish European, 0.0014%; no homozygotes.

Submissions (4):

Ambry Genetics
Classification: Uncertain significance for Inborn genetic diseases. Last evaluated: 2023-01-06. Review status: criteria provided, single submitter. Criteria: Ambry Variant Classification Scheme 2023. Collection method: clinical testing. Allele origin: germline.

Revvity Omics, Revvity
Classification: Uncertain significance. Last evaluated: 2021-11-18. Review status: criteria provided, single submitter. Criteria: ACMG Guidelines, 2015. Collection method: clinical testing. Allele origin: germline.

Fulgent Genetics
Classification: Uncertain significance for Congenital myasthenic syndrome 11; Fetal akinesia deformation sequence 2. Last evaluated: 2021-10-06. Review status: criteria provided, single submitter. Criteria: ACMG Guidelines, 2015. Collection method: clinical testing. Allele origin: unknown.

Labcorp Genetics (formerly Invitae), Labcorp
Classification: Uncertain significance for Congenital myasthenic syndrome 11; Fetal akinesia deformation sequence 1. Last evaluated: 2021-08-28. Review status: criteria provided, single submitter. Criteria: Invitae Variant Classification Sherloc (09022015). Collection method: clinical testing. Allele origin: germline.
Comment: This sequence change replaces lysine with glutamine at codon 60 of the RAPSN protein (p.Lys60Gln). The lysine residue is highly conserved and there is a small physicochemical difference between lysine and glutamine. This variant is not present in population databases (ExAC no frequency). This variant has not been reported in the literature in individuals affected with RAPSN-related conditions. Algorithms developed to predict the effect of missense changes on protein structure and function are either unavailable or do not agree on the potential impact of this missense change (SIFT: "Deleterious"; PolyPhen-2: "Benign"; Align-GVGD: "Class C45"). In summary, the available evidence is currently insufficient to determine the role of this variant in disease. Therefore, it has been classified as a Variant of Uncertain Significance.

NM_005055.5(RAPSN):c.178A>C (p.Lys60Gln)

Gene: RAPSN (receptor associated protein of the synapse; minus strand). Cytogenetic location: 11p11.2.
Variant type: single nucleotide variant.
Coding change: c.178A>C on transcript NM_005055.5 (MANE Select); coding-DNA position 178, A replaced by C.
Protein change: p.Lys60Gln; replaces lysine 60 with glutamine.
Molecular consequence: missense variant.
Genome position (GRCh38, 1-based): chr11:47,448,787, T>G on the plus strand (A>C on the coding strand, the complement: RAPSN is on the minus strand). VCF-style: chr11-47448787-T-G. GRCh37 (hg19) VCF-style: chr11-47470339-T-G.
Other names: c.178A>C, p.Lys60Gln (NM_032645.5); c.178A>C (NM_005055.4); short protein forms K60Q.
Identifiers: ClinVar variation 1372095 (VCV001372095.10), dbSNP rs1380619456, ClinGen allele CA380335744.